The following is an entry in ClinVar:

NM_178148.4(SLC35B2):c.1140T>C (p.Leu380=)

Gene: SLC35B2 (solute carrier family 35 member B2; minus strand). Cytogenetic location: 6p21.1.
Variant type: single nucleotide variant.
Coding change: c.1140T>C on transcript NM_178148.4 (MANE Select); coding-DNA position 1140, T replaced by C.
Protein change: p.Leu380=; no amino-acid change (leucine 380 retained).
Molecular consequence: synonymous variant.
Genome position (GRCh38, 1-based): chr6:44,254,865, A>G on the plus strand (T>C on the coding strand, the complement: SLC35B2 is on the minus strand). VCF-style: chr6-44254865-A-G. GRCh37 (hg19) VCF-style: chr6-44222602-A-G.
Other names: c.1125T>C, p.Leu375= (NM_001286509.2, NM_001286510.2); c.993T>C, p.Leu331= (NM_001286511.2, NM_001286512.2); c.861T>C, p.Leu287= (NM_001286513.2); c.825T>C, p.Leu275= (NM_001286517.2); c.741T>C, p.Leu247= (NM_001286519.2, NM_001286520.2).
Identifiers: ClinVar variation 5039177 (VCV005039177.1).

ClinVar aggregate classification (germline): Likely benign (1 of 4 stars; one submission).

Submission:

CeGaT Center for Human Genetics Tuebingen
Classification: Likely benign. Last evaluated: 2026-08-01. Review status: criteria provided, single submitter. Criteria: CeGaT Center For Human Genetics Tuebingen Variant Classification Criteria Version 2. Collection method: clinical testing. Allele origin: germline. Affected: yes. Observed: 1 variant allele.
Comment: SLC35B2: BP4, BP7